The following is an entry in ClinVar:

NM_006270.5(RRAS):c.562C>T (p.Arg188Trp)

Gene: RRAS (RAS related; minus strand). Cytogenetic location: 19q13.33.
Variant type: single nucleotide variant.
Coding change: c.562C>T on transcript NM_006270.5 (MANE Select); coding-DNA position 562, C replaced by T.
Protein change: p.Arg188Trp; replaces arginine 188 with tryptophan.
Molecular consequence: missense variant.
Genome position (GRCh38, 1-based): chr19:49,635,744, G>A on the plus strand (C>T on the coding strand, the complement: RRAS is on the minus strand). VCF-style: chr19-49635744-G-A. GRCh37 (hg19) VCF-style: chr19-50139001-G-A.
Other names: c.562C>T (NM_006270.3); short protein forms R188W.
Identifiers: ClinVar variation 984470 (VCV000984470.11), dbSNP rs538230538, ClinGen allele CA9578964.
Genomic context (GRCh38, chr19:49,635,744, plus strand): 5'-TGGAGTGGAAGGGCTGGGGACAAGGACGACAGGAAGGGGACTTGGCTCACCGGACAGCCC[G>A]CACCAGCTGCTCAAAAGCCTCGTCCACGTTGAGACGCAGTTTGGCCGAGGCCTCAAAGTA-3'
Protein context (NP_006261.1, residues 178-198): NVDEAFEQLV[Arg188Trp]AVRKYQEQEL

ClinVar aggregate classification (germline): Uncertain significance. Review status: criteria provided, multiple submitters, no conflicts (2 of 4 stars). 3 submissions from 3 submitters: Uncertain significance (3). Last evaluated 2026-05-14.

Conditions:
Noonan syndrome (NS). Also called: Noonan's syndrome. Identifiers: Orphanet 648, MedGen C0028326, MeSH D009634, MONDO:0018997. Disease mechanism: gain of function.

Allele frequency attached by ClinVar (database versions not stated): TOPMed 0.00002; ExAC 0.00003; gnomAD 0.00001; gnomAD exomes 0.00002 and 0.00003.
gnomAD v4.1: 48 of 1,584,804 alleles (0.003%); highest among the groups gnomAD compares: East Asian, 0.0068%; no homozygotes.

Submissions (3):

Women's Health and Genetics/Laboratory Corporation of America, LabCorp
Classification: Uncertain significance. Last evaluated: 2026-05-14. Review status: criteria provided, single submitter. Criteria: LabCorp Variant Classification Summary - May 2015. Collection method: clinical testing. Allele origin: germline.
Comment: Variant summary: RRAS c.562C>T (p.Arg188Trp) results in a non-conservative amino acid change in the encoded protein sequence. Algorithms developed to predict the effect of missense changes on protein structure and function all suggest that this variant is likely to be disruptive. The variant allele was found at a frequency of 2e-05 in 246912 control chromosomes. The available data on variant occurrences in the general population are insufficient to allow any conclusion about variant significance. To our knowledge, no occurrence of c.562C>T in individuals affected with RRAS-related conditions and no experimental evidence demonstrating its impact on protein function have been reported. ClinVar contains an entry for this variant (Variation ID: 984470). Based on the evidence outlined above, the variant was classified as uncertain significance.

Ambry Genetics
Classification: Uncertain significance. Last evaluated: 2026-05-03. Review status: criteria provided, single submitter. Criteria: Ambry Variant Classification Scheme 2023. Collection method: clinical testing. Allele origin: germline.
Comment: The p.R188W variant (also known as c.562C>T), located in coding exon 5 of the RRAS gene, results from a C to T substitution at nucleotide position 562. The arginine at codon 188 is replaced by tryptophan, an amino acid with dissimilar properties. This amino acid position is conserved. In addition, the in silico prediction for this alteration is inconclusive. Based on the available evidence, the clinical significance of this variant remains unclear.

Labcorp Genetics (formerly Invitae), Labcorp
Classification: Uncertain significance for Noonan syndrome. Last evaluated: 2025-11-17. Review status: criteria provided, single submitter. Criteria: Invitae Variant Classification Sherloc (09022015). Collection method: clinical testing. Allele origin: germline.
Comment: This sequence change replaces arginine, which is basic and polar, with tryptophan, which is neutral and slightly polar, at codon 188 of the RRAS protein (p.Arg188Trp). This variant is present in population databases (rs538230538, gnomAD 0.01%). This variant has not been reported in the literature in individuals affected with RRAS-related conditions. ClinVar contains an entry for this variant (Variation ID: 984470). An algorithm developed to predict the effect of missense changes on protein structure and function (PolyPhen-2) suggests that this variant is likely to be disruptive. In summary, the available evidence is currently insufficient to determine the role of this variant in disease. Therefore, it has been classified as a Variant of Uncertain Significance.